The following is an entry in ClinVar:

ClinVar aggregate classification (germline): Pathogenic/Likely pathogenic. Review status: criteria provided, multiple submitters, no conflicts (2 of 4 stars). 2 submissions from 2 submitters: Pathogenic (1); Likely pathogenic (1). Last evaluated 2026-09-01.

Conditions:
Congenital secretory diarrhea, chloride type (DIAR1). Also called: CHLORIDE DIARRHEA, CONGENITAL, FINNISH TYPE; DIARRHEA 1, SECRETORY CHLORIDE, CONGENITAL; CHLORIDORRHEA, CONGENITAL. Identifiers: Orphanet 53689, MedGen C0267662, MONDO:0008964, OMIM 214700.
SLC26A3-related disorder. Also called: SLC26A3-related condition.

gnomAD v4.1: 16 of 1,613,940 alleles (0.00099%); highest among the groups gnomAD compares: African/African-American, 0.016%; no homozygotes.

Submissions (2):

PreventionGenetics, part of Exact Sciences
Classification: Pathogenic for SLC26A3-related condition. Last evaluated: 2026-09-01. Review status: criteria provided, single submitter. Criteria: ACMG Guidelines, 2015. Collection method: clinical testing. Allele origin: germline.
Comment: The SLC26A3 c.1954G>A variant is predicted to result in the amino acid substitution p.Asp652Asn. This variant has been reported in the homozygous state or compound heterozygous state with an additional pathogenic allele in at least four individuals with congenital chloride diarrhea (Choi et al. 2009. PubMed ID: 19861545; Gürakan et al. 2011. PubMed ID: 21853658; Celik et al. 2024. PubMed ID: 38303675; PreventionGenetics, internal data). This variant was also detected in three apparently affected patients, although minimal clinical or genetic information was provided (Wedenoja et al. 2011. PubMed ID: 21394828). This variant is predicted to be damaging by the in silico prediction algorithm, REVEL (Ioannidis et al. 2016. PubMed ID: 27666373) and it is rare in the gnomAD general population database (subpopulation minor allele frequency of 0.01%) . Taken together, we classify this variant as pathogenic.

Fulgent Genetics
Classification: Likely pathogenic for Congenital secretory diarrhea, chloride type. Last evaluated: 2024-06-13. Review status: criteria provided, single submitter. Criteria: ACMG Guidelines, 2015. Collection method: clinical testing. Allele origin: germline.

NM_000111.3(SLC26A3):c.1954G>A (p.Asp652Asn)

Gene: SLC26A3 (solute carrier family 26 member 3; minus strand). Cytogenetic location: 7q22.3.
Variant type: single nucleotide variant.
Coding change: c.1954G>A on transcript NM_000111.3 (MANE Select); coding-DNA position 1954, G replaced by A.
Protein change: p.Asp652Asn; replaces aspartic acid 652 with asparagine.
Molecular consequence: missense variant.
Genome position (GRCh38, 1-based): chr7:107,773,973, C>T on the plus strand (G>A on the coding strand, the complement: SLC26A3 is on the minus strand). VCF-style: chr7-107773973-C-T. GRCh37 (hg19) VCF-style: chr7-107414418-C-T.
Other names: short protein forms D652N.
Identifiers: ClinVar variation 3594222 (VCV003594222.2).